The following is an entry in ClinVar:

ClinVar aggregate classification (germline): Uncertain significance (1 of 4 stars; one submission).

Conditions:
Agammaglobulinemia 2, autosomal recessive (AGM2). Also called: AGAMMAGLOBULINEMIA, AUTOSOMAL RECESSIVE, DUE TO IGLL1 DEFECT. Identifiers: MedGen C3150750, MONDO:0013287, OMIM 613500.

Allele frequency attached by ClinVar (database versions not stated): TOPMed 0.00001; gnomAD 0.00002 and 0.00003; 1000 Genomes Project 0.00020; 1000 Genomes Project 30x 0.00031.
gnomAD v4.1: 19 of 1,613,872 alleles (0.0012%); highest among the groups gnomAD compares: Admixed American, 0.0067%; no homozygotes.

Submission:

Labcorp Genetics (formerly Invitae), Labcorp
Classification: Uncertain significance for Agammaglobulinemia 2, autosomal recessive. Last evaluated: 2025-09-15. Review status: criteria provided, single submitter. Criteria: Invitae Variant Classification Sherloc (09022015). Collection method: clinical testing. Allele origin: germline.
Comment: This sequence change affects codon 142 of the IGLL1 mRNA. It is a 'silent' change, meaning that it does not change the encoded amino acid sequence of the IGLL1 protein. This variant is present in population databases (rs560833188, gnomAD 0.006%). This variant has not been reported in the literature in individuals affected with IGLL1-related conditions. ClinVar contains an entry for this variant (Variation ID: 1445521). Algorithms developed to predict the effect of sequence changes on RNA splicing suggest that this variant may create or strengthen a splice site. In summary, the available evidence is currently insufficient to determine the role of this variant in disease. Therefore, it has been classified as a Variant of Uncertain Significance.

NM_020070.4(IGLL1):c.426G>A (p.Pro142=)

Gene: IGLL1 (immunoglobulin lambda like polypeptide 1; minus strand). Cytogenetic location: 22q11.23.
Variant type: single nucleotide variant.
Coding change: c.426G>A on transcript NM_020070.4 (MANE Select); coding-DNA position 426, G replaced by A.
Protein change: p.Pro142=; no amino-acid change (proline 142 retained).
Molecular consequence: synonymous variant. On other transcripts: 3 prime UTR variant (1).
Genome position (GRCh38, 1-based): chr22:23,573,482, C>T on the plus strand (G>A on the coding strand, the complement: IGLL1 is on the minus strand). VCF-style: chr22-23573482-C-T. GRCh37 (hg19) VCF-style: chr22-23915669-C-T.
Other names: c.429G>A, p.Pro143= (NM_001369906.1); c.*55G>A (NM_152855.3).
Identifiers: ClinVar variation 1445521 (VCV001445521.8), dbSNP rs560833188, ClinGen allele CA10143277.